The following is an entry in ClinVar:

NM_022893.4(BCL11A):c.385+37207C>T

Gene: BCL11A (BCL11 transcription factor A; minus strand). Cytogenetic location: 2p16.1.
Variant type: single nucleotide variant.
Coding change: c.385+37207C>T on transcript NM_022893.4 (MANE Select); 37207 bases into the intron after coding-DNA position 385, C replaced by T.
Molecular consequence: intron variant. On other transcripts: 5 prime UTR variant (3).
Genome position (GRCh38, 1-based): chr2:60,508,764, G>A on the plus strand (C>T on the coding strand, the complement: BCL11A is on the minus strand). VCF-style: chr2-60508764-G-A. GRCh37 (hg19) VCF-style: chr2-60735899-G-A.
Other names: c.229+37207C>T (NM_001405724.1, NM_001405718.1, NM_001405734.1 and 10 more transcripts); c.385+37207C>T (NM_001405711.1, NM_001405709.1, NM_001365609.1 and 10 more transcripts); c.-147-30525C>T (NM_001405728.1, NM_001405727.1); c.52+7663C>T (NM_001405721.1, NM_001405720.1); c.-230C>T (NM_001405725.1, NM_001405726.1, NM_001405731.1).
Identifiers: ClinVar variation 2650967 (VCV002650967.24), dbSNP rs575717778, ClinGen allele CA49023162.

ClinVar aggregate classification (germline): Benign (1 of 4 stars; one submission).

Allele frequency attached by ClinVar (database versions not stated): gnomAD 0.00082; TOPMed 0.00092; 1000 Genomes Project 0.00160; 1000 Genomes Project 30x 0.00219.

Submission:

CeGaT Center for Human Genetics Tuebingen
Classification: Benign. Last evaluated: 2022-10-01. Review status: criteria provided, single submitter. Criteria: CeGaT Center For Human Genetics Tuebingen Variant Classification Criteria Version 2. Collection method: clinical testing. Allele origin: germline. Affected: yes. Observed: 1 variant allele.
Comment: BCL11A: BS1, BS2